The following is an entry in ClinVar:

NM_001303256.3(MORC2):c.2129del (p.Pro710fs)

Gene: MORC2 (MORC family CW-type zinc finger 2; minus strand). Cytogenetic location: 22q12.2.
Variant type: Deletion.
Coding change: c.2129del on transcript NM_001303256.3 (MANE Select); coding-DNA position 2129, one base deleted (C; older notation c.2129delC).
Protein change: p.Pro710fs; shifts the reading frame from proline 710.
Molecular consequence: frameshift variant.
Genome position (GRCh38, 1-based): chr22:30,934,845, G deleted on the plus strand (C on the coding strand, the reverse complement: MORC2 is on the minus strand); the first of 2 consecutive G bases (chr22:30,934,845-30,934,846); deleting either gives the same sequence. VCF-style (leftmost placement, unchanged base first): chr22-30934844-AG-A. GRCh37 (hg19) VCF-style: chr22-31330831-AG-A.
Other names: c.2129del, p.Pro710fs (NM_001303257.2); c.1943del, p.Pro648fs (NM_014941.3); short protein forms P648fs, P710fs.
Identifiers: ClinVar variation 4813536 (VCV004813536.1).

ClinVar aggregate classification (germline): Uncertain significance (1 of 4 stars; one submission).

Conditions:
Charcot-Marie-Tooth disease axonal type 2Z. Also called: CHARCOT-MARIE-TOOTH DISEASE, AXONAL, AUTOSOMAL DOMINANT, TYPE 2Z; CHARCOT-MARIE-TOOTH NEUROPATHY, TYPE 2Z. Identifiers: Orphanet 466768, MedGen C5569025, MONDO:0014736, OMIM 616688.

Submission:

Mendelics
Classification: Uncertain significance for Charcot-Marie-Tooth disease axonal type 2Z. Last evaluated: 2026-03-05. Review status: criteria provided, single submitter. Criteria: ACMG Guidelines, 2015. Collection method: clinical testing. Allele origin: unknown.
Comment: The available evidence is insufficient to conclusively determine the role of this variant. Therefore, it is classified as a Variant of Uncertain Significance.